The following is an entry in ClinVar:

NM_000371.4(TTR):c.[239C>T];[424G>A]

Variant type: CompoundHeterozygote.
Identifiers: ClinVar variation 1012273 (VCV001012273.3).

ClinVar aggregate classification (germline): Pathogenic (0 of 4 stars; one submission).

Conditions:
Amyloidosis, hereditary systemic 1 (AMYLD1). Also called: Isolated Cardiac Amyloidosis; Amyloid Cardiomyopathy, Transthyretin-related; Hereditary oculoleptomeningeal amyloid angiopathy; Familial Transthyretin Amyloidosis; Familial amyloid polyneuropathy; Transthyretin Amyloidosis. Identifiers: Orphanet 85447, Orphanet 85451, MedGen C2751492, MONDO:0971004, OMIM 105210.

Submission:

Amyloidosis Center, Boston University School of Medicine
Classification: Pathogenic for Amyloidosis, hereditary systemic 1. Last evaluated: 2021-02-15. Review status: no assertion criteria provided. Collection method: clinical testing. Allele origin: unknown. Inheritance: Codominant. Affected: yes. Observed: 1 variant allele, 1 compound heterozygote.
Comment: A Congo red positive rectal biopsy demonstrated immunohistochemical staining positive for TTR. Serum screening by isoelectric focusing showed the presence of two variant TTR forms in the absence of wild-type protein. DNA sequencing identified heterozygous T60I (p.T80I; c.239C>T) and V122I (p.V142I; c.424G>A) TTR gene mutations.